The following is an entry in ClinVar:

ClinVar aggregate classification (germline): Uncertain significance (1 of 4 stars; one submission).

Conditions:
Malignant hyperthermia, susceptibility to, 5 (MHS5). Also called: CACNA1S-Related Malignant Hyperthermia Susceptibility. Identifiers: Orphanet 423, MedGen C1866077, MONDO:0011163, OMIM 601887.

Submission:

All of Us Research Program, National Institutes of Health
Classification: Uncertain significance for Malignant hyperthermia, susceptibility to, 5. Last evaluated: 2023-06-26. Review status: criteria provided, single submitter. Criteria: ACMG Guidelines, 2015. Collection method: clinical testing. Allele origin: germline. Inheritance: Autosomal dominant inheritance. Observed: 1 variant allele, 1 heterozygote.
Comment: This missense variant replaces glutamic acid with aspartic acid at codon 292 of the CACNA1S protein. Computational prediction suggests that this variant may have deleterious impact on protein structure and function (internally defined REVEL score threshold >= 0.7, PMID: 27666373). To our knowledge, functional studies have not been reported for this variant. This variant has not been reported in individuals affected with CACNA1S-related disorders in the literature. This variant has not been identified in the general population by the Genome Aggregation Database (gnomAD). The available evidence is insufficient to determine the role of this variant in disease conclusively. Therefore, this variant is classified as a Variant of Uncertain Significance.

This study involves interpretation of variants in research participants for the purpose of population health screening. Participant phenotype was not available at the time of variant classification. Additional details can be found in publication PMID: 35346344, PMCID: PMC8962531

NM_000069.3(CACNA1S):c.876G>T (p.Glu292Asp)

Gene: CACNA1S (calcium voltage-gated channel subunit alpha1 S; minus strand). Cytogenetic location: 1q32.1.
Variant type: single nucleotide variant.
Coding change: c.876G>T on transcript NM_000069.3 (MANE Select); coding-DNA position 876, G replaced by T.
Protein change: p.Glu292Asp; replaces glutamic acid 292 with aspartic acid.
Molecular consequence: missense variant.
Genome position (GRCh38, 1-based): chr1:201,089,282, C>A on the plus strand (G>T on the coding strand, the complement: CACNA1S is on the minus strand). VCF-style: chr1-201089282-C-A. GRCh37 (hg19) VCF-style: chr1-201058410-C-A.
Other names: short protein forms E292D.
Identifiers: ClinVar variation 3071984 (VCV003071984.1), dbSNP rs770021449, ClinGen allele CA344134523.